The following is an entry in ClinVar:

ClinVar aggregate classification (germline): Uncertain significance (1 of 4 stars; one submission).

Conditions:
Inborn genetic diseases. Identifiers: MedGen C0950123, MeSH D030342.

Allele frequency attached by ClinVar (database versions not stated): gnomAD exomes below 0.00001.

Submission:

Ambry Genetics
Classification: Uncertain significance for Inborn genetic diseases. Last evaluated: 2020-01-03. Review status: criteria provided, single submitter. Criteria: Ambry Variant Classification Scheme 2023. Collection method: clinical testing. Allele origin: germline.
Comment: The c.238G>A (p.E80K) alteration is located in coding exon 3 of the FRMPD4 gene. This alteration results from a G to A substitution at nucleotide position 238, causing the glutamic acid (E) at amino acid position 80 to be replaced by a lysine (K). The alteration is not observed in healthy cohorts:_x000D_ _x000D_ Based on data from the Genome Aggregation Database (gnomAD), the FRMPD4 c.238G>A alteration was not observed, with coverage at this site. The altered amino acid is conserved throughout evolution:_x000D_ _x000D_ The p.E80 amino acid is conserved in available vertebrate species. The amino acid is located in a functionally important protein domain:_x000D_ _x000D_ The p.E80K amino acid is located in the PDZ domain which forms a peptide-binding groove for protein-protein interactions including PSD95. The PDZ domain is required for the positive regulation of dendritic spine density in neurons (Lee, 2008). The alteration is predicted benign by in silico models:_x000D_ _x000D_ The p.E80K alteration is predicted to be benign by Polyphen and tolerated by SIFT in silico analyses. Based on insufficient or conflicting evidence, the clinical significance of this alteration remains unclear.

Literature cited by the submitters: PubMed 19118189.

NM_001368397.1(FRMPD4):c.238G>A (p.Glu80Lys)

Gene: FRMPD4 (FERM and PDZ domain containing 4; plus strand). Cytogenetic location: Xp22.2.
Variant type: single nucleotide variant.
Coding change: c.238G>A on transcript NM_001368397.1 (MANE Select); coding-DNA position 238, G replaced by A.
Protein change: p.Glu80Lys; replaces glutamic acid 80 with lysine.
Molecular consequence: missense variant.
Genome position (GRCh38, 1-based): chrX:12,609,800, G>A. VCF-style: chrX-12609800-G-A. GRCh37 (hg19) VCF-style: chrX-12627919-G-A.
Other names: c.349G>A, p.Glu117Lys (NM_001368395.3, NM_001368398.3); c.238G>A, p.Glu80Lys (NM_001368396.3, NM_014728.3); c.229G>A, p.Glu77Lys (NM_001368399.3); c.118G>A, p.Glu40Lys (NM_001368400.3); c.214G>A, p.Glu72Lys (NM_001368401.1, NM_001368402.3); short protein forms E117K, E40K, E72K, E77K, E80K.
Identifiers: ClinVar variation 985624 (VCV000985624.4), dbSNP rs2059163980, ClinGen allele CA412068056.